The following is an entry in ClinVar:

ClinVar aggregate classification (germline): Uncertain significance. Review status: criteria provided, multiple submitters, no conflicts (2 of 4 stars). 2 submissions from 2 submitters: Uncertain significance (2). Last evaluated 2026-01-17.

Conditions:
Hereditary cancer-predisposing syndrome. Also called: Tumor predisposition; Hereditary Cancer Syndrome; Hereditary neoplastic syndrome; Neoplastic Syndromes, Hereditary. Identifiers: Orphanet 140162, MedGen C0027672, MeSH D009386, MONDO:0015356.

Submissions (2):

Labcorp Genetics (formerly Invitae), Labcorp
Classification: Uncertain significance. Last evaluated: 2026-01-17. Review status: criteria provided, single submitter. Criteria: Invitae Variant Classification Sherloc (09022015). Collection method: clinical testing. Allele origin: germline.
Comment: This sequence change replaces aspartic acid, which is acidic and polar, with glutamic acid, which is acidic and polar, at codon 498 of the FH protein (p.Asp498Glu). This variant is not present in population databases (gnomAD no frequency). This variant has not been reported in the literature in individuals affected with FH-related conditions. ClinVar contains an entry for this variant (Variation ID: 3278715). Invitae Evidence Modeling of protein sequence and biophysical properties (such as structural, functional, and spatial information, amino acid conservation, physicochemical variation, residue mobility, and thermodynamic stability) has been performed for this missense variant. However, the output from this modeling did not meet the statistical confidence thresholds required to predict the impact of this variant on FH protein function. In summary, the available evidence is currently insufficient to determine the role of this variant in disease. Therefore, it has been classified as a Variant of Uncertain Significance.

Ambry Genetics
Classification: Uncertain significance for Hereditary cancer-predisposing syndrome. Last evaluated: 2024-06-09. Review status: criteria provided, single submitter. Criteria: Ambry Variant Classification Scheme 2023. Collection method: clinical testing. Allele origin: germline.
Comment: The p.D498E variant (also known as c.1494C>G), located in coding exon 10 of the FH gene, results from a C to G substitution at nucleotide position 1494. The aspartic acid at codon 498 is replaced by glutamic acid, an amino acid with highly similar properties. This amino acid position is conserved. In addition, this alteration is predicted to be tolerated by in silico analysis. Based on the available evidence, the clinical significance of this variant remains unclear.

NM_000143.4(FH):c.1494C>G (p.Asp498Glu)

Gene: FH (fumarate hydratase; minus strand). Cytogenetic location: 1q43.
Variant type: single nucleotide variant.
Coding change: c.1494C>G on transcript NM_000143.4 (MANE Select); coding-DNA position 1494, C replaced by G.
Protein change: p.Asp498Glu; replaces aspartic acid 498 with glutamic acid.
Molecular consequence: missense variant.
Genome position (GRCh38, 1-based): chr1:241,497,867, G>C on the plus strand (C>G on the coding strand, the complement: FH is on the minus strand). VCF-style: chr1-241497867-G-C. GRCh37 (hg19) VCF-style: chr1-241661167-G-C.
Other names: short protein forms D498E.
Identifiers: ClinVar variation 3278715 (VCV003278715.2).